The following is an entry in ClinVar:

ClinVar aggregate classification (germline): Likely pathogenic (1 of 4 stars; one submission).

Conditions:
Usher syndrome type 2C. Also called: USHER SYNDROME, TYPE IIC; Usher syndrome, type 2B. Identifiers: Orphanet 231178, Orphanet 886, MedGen C2931213, MONDO:0011558, OMIM 605472.

Submission:

First Genomix Gene Laboratory, Genetic Diagnostics Department
Classification: Likely pathogenic for Usher syndrome type 2C. Last evaluated: 2025-08-08. Review status: criteria provided, single submitter. Criteria: ACMG Guidelines, 2015. Collection method: clinical testing. Allele origin: germline. Inheritance: Autosomal recessive inheritance. Affected: no. Observed: 1 variant allele.

NM_032119.4(ADGRV1):c.4972_4982dup (p.Phe1661fs)

Gene: ADGRV1 (adhesion G protein-coupled receptor V1; plus strand). Cytogenetic location: 5q14.3.
Variant type: Duplication.
Coding change: c.4972_4982dup on transcript NM_032119.4 (MANE Select); coding-DNA positions 4972 to 4982, 11 bases duplicated (AATGAGTATTT).
Protein change: p.Phe1661fs; shifts the reading frame from phenylalanine 1661.
Molecular consequence: frameshift variant. On other transcripts: non-coding transcript variant (1).
Genome position (GRCh38, 1-based): chr5:90,674,096-90,674,106, AATGAGTATTT duplicated; duplicating any 11 consecutive bases within chr5:90,674,094-90,674,106 gives the same sequence; the c. name uses the placement nearest the transcript's 3' end. VCF-style (leftmost placement, unchanged base first): chr5-90674093-C-CTTAATGAGTAT. GRCh37 (hg19) VCF-style: chr5-89969910-C-CTTAATGAGTAT.
Other names: c.4972_4982dupAATGAGTATTT (NM_032119.4); short protein forms F1661fs.
Identifiers: ClinVar variation 4850563 (VCV004850563.1).